The following is an entry in ClinVar:

NM_015267.4(CUX2):c.4008G>A (p.Pro1336=)

Gene: CUX2 (cut like homeobox 2; plus strand). Cytogenetic location: 12q24.12.
Variant type: single nucleotide variant.
Coding change: c.4008G>A on transcript NM_015267.4 (MANE Select); coding-DNA position 4008, G replaced by A.
Protein change: p.Pro1336=; no amino-acid change (proline 1336 retained).
Molecular consequence: synonymous variant.
Genome position (GRCh38, 1-based): chr12:111,347,872, G>A. VCF-style: chr12-111347872-G-A. GRCh37 (hg19) VCF-style: chr12-111785676-G-A.
Other names: c.3822G>A, p.Pro1274= (NM_001370598.1).
Identifiers: ClinVar variation 4918557 (VCV004918557.2).

ClinVar aggregate classification (germline): Likely benign. Review status: criteria provided, multiple submitters, no conflicts (2 of 4 stars). 2 submissions from 2 submitters: Likely benign (2). Last evaluated 2026-08-01.

gnomAD v4.1: 28 of 1,613,994 alleles (0.0017%); highest among the groups gnomAD compares: Admixed American, 0.005%; no homozygotes.

Submissions (2):

CeGaT Center for Human Genetics Tuebingen
Classification: Likely benign. Last evaluated: 2026-08-01. Review status: criteria provided, single submitter. Criteria: CeGaT Center For Human Genetics Tuebingen Variant Classification Criteria Version 2. Collection method: clinical testing. Allele origin: germline. Affected: yes. Observed: 1 variant allele.
Comment: CUX2: BS2

Blueprint Genetics
Classification: Likely benign. Last evaluated: 2022-10-11. Review status: criteria provided, single submitter. Criteria: ACMG Guidelines, 2015. Collection method: clinical testing. Allele origin: germline.